The following is an entry in ClinVar:

NM_000138.5(FBN1):c.6053del (p.Val2018fs)

Gene: FBN1 (fibrillin 1; minus strand). Cytogenetic location: 15q21.1.
Variant type: Deletion.
Coding change: c.6053del on transcript NM_000138.5 (MANE Select); coding-DNA position 6053, one base deleted (T; older notation c.6053delT).
Protein change: p.Val2018fs; shifts the reading frame from valine 2018.
Molecular consequence: frameshift variant.
Genome position (GRCh38, 1-based): chr15:48,441,831, A deleted on the plus strand (T on the coding strand, the reverse complement: FBN1 is on the minus strand). VCF-style (leftmost placement, unchanged base first): chr15-48441830-GA-G. GRCh37 (hg19) VCF-style: chr15-48734027-GA-G.
Other names: c.6053delT, p.Val2018Alafs (NM_001406716.1); short protein forms V2018fs.
Identifiers: ClinVar variation 1751289 (VCV001751289.2), dbSNP rs2505446366, ClinGen allele CA2580089665.

ClinVar aggregate classification (germline): Pathogenic (1 of 4 stars; one submission).

Conditions:
Familial thoracic aortic aneurysm and aortic dissection (TAAD). Also called: Thoracic aortic aneurysms and dissections. Identifiers: Orphanet 91387, MedGen C4707243, MONDO:0019625.

Submission:

Ambry Genetics
Classification: Pathogenic for Familial thoracic aortic aneurysm and aortic dissection. Last evaluated: 2022-08-02. Review status: criteria provided, single submitter. Criteria: Ambry Variant Classification Scheme 2023. Collection method: clinical testing. Allele origin: germline.
Comment: The c.6053delT pathogenic mutation, located in coding exon 49 of the FBN1 gene, results from a deletion of one nucleotide at nucleotide position 6053, causing a translational frameshift with a predicted alternate stop codon (p.V2018Afs*41). This variant is considered to be rare based on population cohorts in the Genome Aggregation Database (gnomAD). In addition, this alteration is expected to result in loss of function by premature protein truncation or nonsense-mediated mRNA decay. As such, this alteration is interpreted as a disease-causing mutation.